The following is an entry in ClinVar:

ClinVar aggregate classification (germline): Uncertain significance (1 of 4 stars; one submission).

Conditions:
Fanconi anemia (FA). Also called: Fanconi's anemia. Identifiers: Orphanet 84, MedGen C0015625, MeSH D005199, MONDO:0019391.

Submission:

Labcorp Genetics (formerly Invitae), Labcorp
Classification: Uncertain significance for Fanconi anemia. Last evaluated: 2023-05-11. Review status: criteria provided, single submitter. Criteria: Invitae Variant Classification Sherloc (09022015). Collection method: clinical testing. Allele origin: germline.
Comment: In summary, the available evidence is currently insufficient to determine the role of this variant in disease. Therefore, it has been classified as a Variant of Uncertain Significance. Advanced modeling of protein sequence and biophysical properties (such as structural, functional, and spatial information, amino acid conservation, physicochemical variation, residue mobility, and thermodynamic stability) performed at Invitae indicates that this missense variant is not expected to disrupt FANCA protein function. This variant has not been reported in the literature in individuals affected with FANCA-related conditions. This variant is not present in population databases (gnomAD no frequency). This sequence change replaces valine, which is neutral and non-polar, with isoleucine, which is neutral and non-polar, at codon 239 of the FANCA protein (p.Val239Ile).

NM_000135.4(FANCA):c.715G>A (p.Val239Ile)

Gene: FANCA (FA complementation group A; minus strand). Cytogenetic location: 16q24.3.
Variant type: single nucleotide variant.
Coding change: c.715G>A on transcript NM_000135.4 (MANE Select); coding-DNA position 715, G replaced by A.
Protein change: p.Val239Ile; replaces valine 239 with isoleucine.
Molecular consequence: missense variant.
Genome position (GRCh38, 1-based): chr16:89,803,336, C>T on the plus strand (G>A on the coding strand, the complement: FANCA is on the minus strand). VCF-style: chr16-89803336-C-T. GRCh37 (hg19) VCF-style: chr16-89869744-C-T.
Other names: c.715G>A, p.Val239Ile (NM_001018112.3, NM_001286167.3); c.619G>A, p.Val207Ile (NM_001351830.2); short protein forms V239I, V207I.
Identifiers: ClinVar variation 2848264 (VCV002848264.3), dbSNP rs1490757153, ClinGen allele CA397476470.